The following is an entry in ClinVar:

NM_016729.3(FOLR1):c.244T>C (p.Tyr82His)

Genes: FOLR1 (folate receptor alpha; plus strand), FOLR1-AS1 (FOLR1 antisense RNA 1; minus strand). Cytogenetic location: 11q13.4.
Variant type: single nucleotide variant.
Coding change: c.244T>C on transcript NM_016729.3 (MANE Select); coding-DNA position 244, T replaced by C.
Protein change: p.Tyr82His; replaces tyrosine 82 with histidine.
Molecular consequence: missense variant.
Genome position (GRCh38, 1-based): chr11:72,195,346, T>C. VCF-style: chr11-72195346-T-C. GRCh37 (hg19) VCF-style: chr11-71906390-T-C.
Other names: c.244T>C, p.Tyr82His (NM_000802.3, NM_016724.3, NM_016725.3); short protein forms Y82H.
Identifiers: ClinVar variation 1445158 (VCV001445158.8), dbSNP rs950917027, ClinGen allele CA224404504.
Genomic context (GRCh38, chr11:72,195,346, plus strand): 5'-AAGAATGCCTGCTGTTCTACCAACACCAGCCAGGAAGCCCATAAGGATGTTTCCTACCTA[T>C]ATAGATTCAACTGGAACCACTGTGGAGAGATGGCACCTGCCTGCAAACGGCATTTCATCC-3'
Protein context (NP_057941.1, residues 72-92): QEAHKDVSYL[Tyr82His]RFNWNHCGEM

ClinVar aggregate classification (germline): Uncertain significance (1 of 4 stars; one submission).

Conditions:
Cerebral folate transport deficiency. Also called: NEURODEGENERATION DUE TO CEREBRAL FOLATE TRANSPORT DEFICIENCY; FOLR1-Related Cerebral Folate Transport Deficiency; Neurodegenerative syndrome due to cerebral folate transport deficiency; FOLATE RECEPTOR DEFICIENCY; Cerebral folate deficiency syndrome. Identifiers: Orphanet 217382, MedGen C2751584, MONDO:0013110, OMIM 613068. Disease mechanism: loss of function.

Allele frequency attached by ClinVar (database versions not stated): gnomAD exomes below 0.00001; gnomAD 0.00001; TOPMed 0.00001.
gnomAD v4.1: 4 of 1,613,950 alleles (0.00025%); highest among the groups gnomAD compares: Non-Finnish European, 0.00034%; no homozygotes.

Submission:

Labcorp Genetics (formerly Invitae), Labcorp
Classification: Uncertain significance for Cerebral folate transport deficiency. Last evaluated: 2022-08-09. Review status: criteria provided, single submitter. Criteria: Invitae Variant Classification Sherloc (09022015). Collection method: clinical testing. Allele origin: germline.
Comment: In summary, the available evidence is currently insufficient to determine the role of this variant in disease. Therefore, it has been classified as a Variant of Uncertain Significance. Algorithms developed to predict the effect of sequence changes on RNA splicing suggest that this variant may disrupt the consensus splice site. Algorithms developed to predict the effect of missense changes on protein structure and function are either unavailable or do not agree on the potential impact of this missense change (SIFT: "Deleterious"; PolyPhen-2: "Possibly Damaging"; Align-GVGD: "Class C0"). ClinVar contains an entry for this variant (Variation ID: 1445158). This variant has not been reported in the literature in individuals affected with FOLR1-related conditions. This variant is present in population databases (no rsID available, gnomAD 0.01%). This sequence change replaces tyrosine, which is neutral and polar, with histidine, which is basic and polar, at codon 82 of the FOLR1 protein (p.Tyr82His).